The following is an entry in ClinVar:

NM_006514.4(SCN10A):c.2638G>A (p.Val880Met)

Gene: SCN10A (sodium voltage-gated channel alpha subunit 10; minus strand). Cytogenetic location: 3p22.2.
Variant type: single nucleotide variant.
Coding change: c.2638G>A on transcript NM_006514.4 (MANE Select); coding-DNA position 2638, G replaced by A.
Protein change: p.Val880Met; replaces valine 880 with methionine.
Molecular consequence: missense variant.
Genome position (GRCh38, 1-based): chr3:38,728,544, C>T on the plus strand (G>A on the coding strand, the complement: SCN10A is on the minus strand). VCF-style: chr3-38728544-C-T. GRCh37 (hg19) VCF-style: chr3-38770035-C-T.
Other names: c.2638G>A, p.Val880Met (NM_001293306.2); c.2344G>A, p.Val782Met (NM_001293307.2); short protein forms V880M, V782M.
Identifiers: ClinVar variation 1354249 (VCV001354249.8), dbSNP rs2126002831, ClinGen allele CA352160040.

ClinVar aggregate classification (germline): Uncertain significance (1 of 4 stars; one submission).

Conditions:
Brugada syndrome. Also called: Sudden unexpected nocturnal death syndrome; Sudden unexplained nocturnal death syndrome; Sudden Unexplained Death Syndrome; Sudden Unexplained Nocturnal Death Syndrome (SUNDS). Identifiers: Orphanet 130, MedGen C1142166, MONDO:0015263.

gnomAD v4.1: 1 of 1,577,838 alleles (0.000063%); highest among the groups gnomAD compares: Admixed American, 0.0017%; no homozygotes.

Submission:

Labcorp Genetics (formerly Invitae), Labcorp
Classification: Uncertain significance for Brugada syndrome. Last evaluated: 2021-05-19. Review status: criteria provided, single submitter. Criteria: Invitae Variant Classification Sherloc (09022015). Collection method: clinical testing. Allele origin: germline.
Comment: This variant has not been reported in the literature in individuals with SCN10A-related conditions. Algorithms developed to predict the effect of missense changes on protein structure and function are either unavailable or do not agree on the potential impact of this missense change (SIFT: "Deleterious"; PolyPhen-2: "Probably Damaging"; Align-GVGD: "Class C15"). In summary, the available evidence is currently insufficient to determine the role of this variant in disease. Therefore, it has been classified as a Variant of Uncertain Significance. This variant is not present in population databases (ExAC no frequency). This sequence change replaces valine with methionine at codon 880 of the SCN10A protein (p.Val880Met). The valine residue is highly conserved and there is a small physicochemical difference between valine and methionine.